The following is an entry in ClinVar:

ClinVar aggregate classification (germline): Likely benign. Review status: criteria provided, multiple submitters, no conflicts (2 of 4 stars). 5 submissions from 5 submitters: Likely benign (3). 2 of the submissions do not count toward it. Last evaluated 2026-01-24.

Conditions:
AGL-related disorder. Also called: AGL-related condition.
Glycogen storage disease type III (GSD3). Also called: FORBES DISEASE; Cori disease. Identifiers: Orphanet 366, MedGen C0017922, MONDO:0009291, OMIM 232400.

Allele frequency attached by ClinVar (database versions not stated): gnomAD 0.00004; TOPMed 0.00004; ExAC 0.00008.
gnomAD v4.1: 62 of 1,611,004 alleles (0.0038%); highest among the groups gnomAD compares: Middle Eastern, 0.049%; 1 homozygote.

Submissions (5):

Labcorp Genetics (formerly Invitae), Labcorp
Classification: Likely benign for Glycogen storage disease type III. Last evaluated: 2026-01-24. Review status: criteria provided, single submitter. Criteria: Invitae Variant Classification Sherloc (09022015). Collection method: clinical testing. Allele origin: germline.

Laboratory of Genetics, Children's Clinical University Hospital Latvia
Classification: Likely benign. Last evaluated: 2025-02-16. Review status: criteria provided, single submitter. Criteria: ACMG Guidelines, 2015. Collection method: clinical testing. Allele origin: germline. Affected: yes.

Blueprint Genetics
Classification: Likely benign. Last evaluated: 2024-10-24. Review status: criteria provided, single submitter. Criteria: ACMG Guidelines, 2015. Collection method: clinical testing. Allele origin: germline.

PreventionGenetics, part of Exact Sciences
Classification: Likely benign for AGL-related condition. Last evaluated: 2023-07-29. Review status: no assertion criteria provided. Collection method: clinical testing. Allele origin: germline. Not counted in ClinVar's aggregate classification.
Comment: This variant is classified as likely benign based on ACMG/AMP sequence variant interpretation guidelines (Richards et al. 2015 PMID: 25741868, with internal and published modifications).

Natera, Inc.
Classification: Uncertain significance for Glycogen storage disease type III. Last evaluated: 2020-03-11. Review status: no assertion criteria provided. Collection method: clinical testing. Allele origin: germline. Not counted in ClinVar's aggregate classification.

NM_000642.3(AGL):c.3738A>T (p.Gly1246=)

Gene: AGL (amylo-alpha-1,6-glucosidase and 4-alpha-glucanotransferase; plus strand). Cytogenetic location: 1p21.2.
Variant type: single nucleotide variant.
Coding change: c.3738A>T on transcript NM_000642.3 (MANE Select); coding-DNA position 3738, A replaced by T.
Protein change: p.Gly1246=; no amino-acid change (glycine 1246 retained).
Molecular consequence: synonymous variant.
Genome position (GRCh38, 1-based): chr1:99,910,749, A>T. VCF-style: chr1-99910749-A-T. GRCh37 (hg19) VCF-style: chr1-100376305-A-T.
Other names: c.3738A>T, p.Gly1246= (NM_000028.3, NM_000643.3, NM_000644.3 and 1 more transcripts); c.3690A>T, p.Gly1230= (NM_000646.3); c.3717A>T, p.Gly1239= (NM_001425326.1); c.3537A>T, p.Gly1179= (NM_001425327.1); c.3534A>T, p.Gly1178= (NM_001425328.1); c.3399A>T, p.Gly1133= (NM_001425329.1); c.3360A>T, p.Gly1120= (NM_001425332.1).
Identifiers: ClinVar variation 788236 (VCV000788236.16), dbSNP rs780617757, ClinGen allele CA967205.